The following is an entry in ClinVar:

ClinVar aggregate classification (germline): Uncertain significance (1 of 4 stars; one submission).

gnomAD v4.1: 25 of 1,613,984 alleles (0.0015%); highest among the groups gnomAD compares: South Asian, 0.0033%; no homozygotes.

Submission:

Labcorp Genetics (formerly Invitae), Labcorp
Classification: Uncertain significance. Last evaluated: 2025-07-04. Review status: criteria provided, single submitter. Criteria: Invitae Variant Classification Sherloc (09022015). Collection method: clinical testing. Allele origin: germline.
Comment: This sequence change replaces serine, which is neutral and polar, with leucine, which is neutral and non-polar, at codon 37 of the WNT3A protein (p.Ser37Leu). This variant is present in population databases (rs761411292, gnomAD 0.006%). This variant has not been reported in the literature in individuals affected with WNT3A-related conditions. Invitae Evidence Modeling of protein sequence and biophysical properties (such as structural, functional, and spatial information, amino acid conservation, physicochemical variation, residue mobility, and thermodynamic stability) indicates that this missense variant is not expected to disrupt WNT3A protein function with a negative predictive value of 80%. In summary, the available evidence is currently insufficient to determine the role of this variant in disease. Therefore, it has been classified as a Variant of Uncertain Significance.

NM_033131.4(WNT3A):c.110C>T (p.Ser37Leu)

Gene: WNT3A (Wnt family member 3A; plus strand). Cytogenetic location: 1q42.13.
Variant type: single nucleotide variant.
Coding change: c.110C>T on transcript NM_033131.4 (MANE Select); coding-DNA position 110, C replaced by T.
Protein change: p.Ser37Leu; replaces serine 37 with leucine.
Molecular consequence: missense variant.
Genome position (GRCh38, 1-based): chr1:228,022,705, C>T. VCF-style: chr1-228022705-C-T. GRCh37 (hg19) VCF-style: chr1-228210406-C-T.
Other names: short protein forms S37L.
Identifiers: ClinVar variation 4696559 (VCV004696559.1).